The following is an entry in ClinVar:

ClinVar aggregate classification (germline): Likely pathogenic (1 of 4 stars; one submission).

Conditions:
Bethlem myopathy 1B (BTHLM1B). Identifiers: MedGen C5935580, MONDO:0958233, OMIM 620725.
Ullrich congenital muscular dystrophy 1B (UCMD1B). Identifiers: MedGen C5935582, MONDO:0958235, OMIM 620727.

Submission:

Kariminejad - Najmabadi Pathology & Genetics Center
Classification: Likely pathogenic for Bethlem myopathy 1B; Ullrich congenital muscular dystrophy 1B. Last evaluated: 2021-04-20. Review status: criteria provided, single submitter. Criteria: ACMG Guidelines, 2015. Collection method: clinical testing. Allele origin: germline. Inheritance: Autosomal dominant inheritance. Affected: yes.
Comment: PVS1,PM2

NM_001849.4(COL6A2):c.901-2A>C

Gene: COL6A2 (collagen type VI alpha 2 chain; plus strand). Cytogenetic location: 21q22.3.
Variant type: single nucleotide variant.
Coding change: c.901-2A>C on transcript NM_001849.4 (MANE Select); the canonical splice acceptor site of the intron before coding-DNA position 901, A replaced by C.
Molecular consequence: splice acceptor variant.
Genome position (GRCh38, 1-based): chr21:46,116,375, A>C. VCF-style: chr21-46116375-A-C. GRCh37 (hg19) VCF-style: chr21-47536289-A-C.
Other names: c.901-2A>C (NM_058175.3, NM_058174.3).
Identifiers: ClinVar variation 3896821 (VCV003896821.1).